The following is an entry in ClinVar:

ClinVar aggregate classification (germline): Likely benign (1 of 4 stars; one submission).

Allele frequency attached by ClinVar (database versions not stated): gnomAD exomes below 0.00001 and 0.00001; TOPMed below 0.00001.
gnomAD v4.1: 2 of 1,549,232 alleles (0.00013%); highest among the groups gnomAD compares: African/African-American, 0.0027%; no homozygotes.

Submission:

Laboratory for Molecular Medicine, Mass General Brigham Personalized Medicine
Classification: Likely benign. Last evaluated: 2017-07-05. Review status: criteria provided, single submitter. Criteria: LMM Criteria. Collection method: clinical testing. Allele origin: germline. Observed: 1 variant allele.
Comment: p.Leu2551Leu in exon 45 of OTOG: This variant is not expected to have clinical s ignificance because it does not alter an amino acid residue and is not located w ithin the splice consensus sequence. It has been identified in 1/6158 African ch romosomes by the Genome Aggregation Database (gnomAD; dbSNP rs908026995).

NM_001292063.2(OTOG):c.7617G>T (p.Leu2539=)

Gene: OTOG (otogelin; plus strand). Cytogenetic location: 11p15.1.
Variant type: single nucleotide variant.
Coding change: c.7617G>T on transcript NM_001292063.2 (MANE Select); coding-DNA position 7617, G replaced by T.
Protein change: p.Leu2539=; no amino-acid change (leucine 2539 retained).
Molecular consequence: synonymous variant.
Genome position (GRCh38, 1-based): chr11:17,635,111, G>T. VCF-style: chr11-17635111-G-T. GRCh37 (hg19) VCF-style: chr11-17656658-G-T.
Other names: c.7653G>T, p.Leu2551= (NM_001277269.2).
Identifiers: ClinVar variation 505880 (VCV000505880.5), dbSNP rs908026995, ClinGen allele CA218498995.